The following is an entry in ClinVar:

ClinVar aggregate classification (germline): Uncertain significance (1 of 4 stars; one submission).

Submission:

Labcorp Genetics (formerly Invitae), Labcorp
Classification: Uncertain significance. Last evaluated: 2024-05-13. Review status: criteria provided, single submitter. Criteria: Invitae Variant Classification Sherloc (09022015). Collection method: clinical testing. Allele origin: germline.
Comment: This sequence change replaces lysine, which is basic and polar, with asparagine, which is neutral and polar, at codon 31 of the PRDM5 protein (p.Lys31Asn). This variant also falls at the last nucleotide of exon 1, which is part of the consensus splice site for this exon. This variant is not present in population databases (gnomAD no frequency). This variant has not been reported in the literature in individuals affected with PRDM5-related conditions. An algorithm developed to predict the effect of missense changes on protein structure and function (PolyPhen-2) suggests that this variant is likely to be tolerated. Variants that disrupt the consensus splice site are a relatively common cause of aberrant splicing (PMID: 17576681, 9536098). Algorithms developed to predict the effect of sequence changes on RNA splicing suggest that this variant may disrupt the consensus splice site. In summary, the available evidence is currently insufficient to determine the role of this variant in disease. Therefore, it has been classified as a Variant of Uncertain Significance.

Literature cited by the submitters: PubMed 17576681; PubMed 9536098.

NM_018699.4(PRDM5):c.93G>C (p.Lys31Asn)

Gene: PRDM5 (PR/SET domain 5; minus strand). Cytogenetic location: 4q27.
Variant type: single nucleotide variant.
Coding change: c.93G>C on transcript NM_018699.4 (MANE Select); coding-DNA position 93, G replaced by C.
Protein change: p.Lys31Asn; replaces lysine 31 with asparagine.
Molecular consequence: missense variant.
Genome position (GRCh38, 1-based): chr4:120,922,516, C>G on the plus strand (G>C on the coding strand, the complement: PRDM5 is on the minus strand). VCF-style: chr4-120922516-C-G. GRCh37 (hg19) VCF-style: chr4-121843671-C-G.
Other names: c.93G>C, p.Lys31Asn (NM_001300823.2, NM_001300824.2, NM_001379104.1 and 1 more transcripts); short protein forms K31N.
Identifiers: ClinVar variation 3641592 (VCV003641592.2).
Genomic context (GRCh38, chr4:120,922,516, plus strand): 5'-TCCGGGAGGCACAGGGCGCGCGAGGTGCAGGGGCGCGCAGGCCGCCGCCGGGTCACCCAC[C>G]TTTCGCACTCTGCGGGCCGTGTAGAGCCCCATGCCGTCCTGAACCCGGGAGGACTTCAGG-3'
Protein context (NP_061169.2, residues 21-41): MGLYTARRVR[Lys31Asn]GEKFGPFAGE